The following is an entry in ClinVar:

ClinVar aggregate classification (germline): Uncertain significance. Review status: criteria provided, multiple submitters, no conflicts (2 of 4 stars). 4 submissions from 4 submitters: Uncertain significance (3). 1 of the submissions does not count toward it. Last evaluated 2025-09-10.

Conditions:
Autosomal recessive spinocerebellar ataxia 20. Identifiers: Orphanet 397709, MedGen C5190595, MONDO:0014601, OMIM 616354.

Submissions (4):

GeneDx
Classification: Uncertain significance. Last evaluated: 2025-09-10. Review status: criteria provided, single submitter. Criteria: GeneDx Variant Classification Process June 2021. Collection method: clinical testing. Allele origin: germline. Affected: yes.
Comment: Not observed at significant frequency in large population cohorts (gnomAD); In silico analysis supports a deleterious effect on splicing; Has not been previously published as pathogenic or benign to our knowledge

Genomic Medicine Center of Excellence, King Faisal Specialist Hospital and Research Centre
Classification: Uncertain significance for Autosomal recessive spinocerebellar ataxia 20. Last evaluated: 2024-12-18. Review status: criteria provided, single submitter. Criteria: ACMG Guidelines, 2015. Collection method: clinical testing. Allele origin: germline.

Baylor Genetics
Classification: Uncertain significance for Autosomal recessive spinocerebellar ataxia 20. Last evaluated: 2020-01-20. Review status: criteria provided, single submitter. Criteria: ACMG Guidelines, 2015. Collection method: clinical testing. Allele origin: unknown. Affected: yes.
Comment: This variant was determined to be of uncertain significance according to ACMG Guidelines, 2015 [PMID:25741868].

Biochemical Molecular Genetic Laboratory, King Abdulaziz Medical City
Classification: Uncertain significance for Autosomal recessive spinocerebellar ataxia 20. Last evaluated: 2019-01-29. Review status: no assertion criteria provided. Collection method: clinical testing. Allele origin: germline. Affected: yes. Not counted in ClinVar's aggregate classification.

NM_153816.6(SNX14):c.1809A>G (p.Ala603=)

Gene: SNX14 (sorting nexin 14; minus strand). Cytogenetic location: 6q14.3.
Variant type: single nucleotide variant.
Coding change: c.1809A>G on transcript NM_153816.6 (MANE Select); coding-DNA position 1809, A replaced by G.
Protein change: p.Ala603=; no amino-acid change (alanine 603 retained).
Molecular consequence: synonymous variant. On other transcripts: non-coding transcript variant (6).
Genome position (GRCh38, 1-based): chr6:85,533,600, T>C on the plus strand (A>G on the coding strand, the complement: SNX14 is on the minus strand). VCF-style: chr6-85533600-T-C. GRCh37 (hg19) VCF-style: chr6-86243318-T-C.
Other names: c.1782A>G, p.Ala594= (NM_001297614.3, NM_001350541.2); c.1653A>G, p.Ala551= (NM_001304479.2); c.1872A>G, p.Ala624= (NM_001350532.2); c.1806A>G, p.Ala602= (NM_001350533.2, NM_001350535.2); c.1779A>G, p.Ala593= (NM_001350534.2); c.1677A>G, p.Ala559= (NM_001350536.2); c.1674A>G, p.Ala558= (NM_001350537.2); c.1665A>G, p.Ala555= (NM_001350538.2); and 9 more.
Identifiers: ClinVar variation 800741 (VCV000800741.7), dbSNP rs1582696313, ClinGen allele CA451132414.
Genomic context (GRCh38, chr6:85,533,600, plus strand): 5'-GATAACAACAGACTCATTCATGGGCATCTTTTAAGAAAGGTGCTCAGAAAGCTTCCTACC[T>C]GCTCTTCTATCATTTCTTTCAACATCAATACAAAACACAGGAATTCTTTCTTTTTTCTCC-3'
Protein context (NP_722523.1, residues 593-613): CIDVERNDRR[Ala603=]VGHEPEHWSV